The following is an entry in ClinVar:

ClinVar aggregate classification (germline): Uncertain significance. Review status: criteria provided, multiple submitters, no conflicts (2 of 4 stars). 4 submissions from 4 submitters: Uncertain significance (4). Last evaluated 2024-02-13.

Conditions:
Arrhythmogenic right ventricular dysplasia 10. Also called: Arrhythmogenic Right Ventricular Dysplasia/Cardiomyopathy10; Arrhythmogenic right ventricular dysplasia/cardiomyopathy, type 10; ARRHYTHMOGENIC RIGHT VENTRICULAR DYSPLASIA, FAMILIAL, 10. Identifiers: MedGen C1857777, MONDO:0012434, OMIM 610193.
Primary familial dilated cardiomyopathy (FDC). Also called: Hypokinetic dilated cardiomyopathy, familial; Familial dilated cardiomyopathy. Identifiers: Orphanet 217607, MedGen C0340427, MONDO:0016333.
Arrhythmogenic right ventricular cardiomyopathy (ARVD). Also called: Arrhythmogenic Right Ventricular Cardiomyopathy (ARVC); Cardiomyopathy, ARVC; Arrhythmogenic right ventricular dysplasia; Arrhythmogenic cardiomyopathy. Identifiers: Orphanet 247, MedGen C0349788, MeSH D019571, MONDO:0016587. Disease mechanism: loss of function. Inheritance: Various modes of inheritance.

Allele frequency attached by ClinVar (database versions not stated): gnomAD exomes below 0.00001.
gnomAD v4.1: 1 of 1,614,166 alleles (0.000062%); highest among the groups gnomAD compares: Non-Finnish European, 0.000085%; no homozygotes.

Submissions (4):

Labcorp Genetics (formerly Invitae), Labcorp
Classification: Uncertain significance for Arrhythmogenic right ventricular dysplasia 10. Last evaluated: 2024-02-13. Review status: criteria provided, single submitter. Criteria: Invitae Variant Classification Sherloc (09022015). Collection method: clinical testing. Allele origin: germline.
Comment: This sequence change replaces serine, which is neutral and polar, with threonine, which is neutral and polar, at codon 862 of the DSG2 protein (p.Ser862Thr). This variant is not present in population databases (gnomAD no frequency). This variant has not been reported in the literature in individuals affected with DSG2-related conditions. ClinVar contains an entry for this variant (Variation ID: 684849). Advanced modeling of protein sequence and biophysical properties (such as structural, functional, and spatial information, amino acid conservation, physicochemical variation, residue mobility, and thermodynamic stability) performed at Invitae indicates that this missense variant is not expected to disrupt DSG2 protein function with a negative predictive value of 95%. In summary, the available evidence is currently insufficient to determine the role of this variant in disease. Therefore, it has been classified as a Variant of Uncertain Significance.

Blueprint Genetics
Classification: Uncertain significance. Last evaluated: 2023-12-29. Review status: criteria provided, single submitter. Criteria: ACMG Guidelines, 2015. Collection method: clinical testing. Allele origin: germline.

All of Us Research Program, National Institutes of Health
Classification: Uncertain significance for Arrhythmogenic right ventricular cardiomyopathy. Last evaluated: 2023-04-03. Review status: criteria provided, single submitter. Criteria: ACMG Guidelines, 2015. Collection method: clinical testing. Allele origin: germline. Inheritance: Autosomal dominant inheritance. Observed: 1 variant allele, 1 heterozygote.
Comment: This missense variant replaces serine with threonine at codon 862 of the DSG2 protein. Computational prediction suggests that this variant may not impact protein structure and function (internally defined REVEL score threshold <= 0.5, PMID: 27666373). To our knowledge, functional studies have not been reported for this variant. This variant has not been reported in individuals affected with DSG2-related disorders in the literature. This variant has not been identified in the general population by the Genome Aggregation Database (gnomAD). The available evidence is insufficient to determine the role of this variant in disease conclusively. Therefore, this variant is classified as a Variant of Uncertain Significance.

This study involves interpretation of variants in research participants for the purpose of population health screening. Participant phenotype was not available at the time of variant classification. Additional details can be found in publication PMID: 35346344, PMCID: PMC8962531

Molecular Diagnostic Laboratory for Inherited Cardiovascular Disease, Montreal Heart Institute
Classification: Uncertain significance for Familial dilated cardiomyopathy. Review status: criteria provided, single submitter. Criteria: ACMG Guidelines, 2015. Collection method: clinical testing. Allele origin: germline. Affected: yes.

NM_001943.5(DSG2):c.2585G>C (p.Ser862Thr)

Genes: DSG2 (desmoglein 2; plus strand), DSG2-AS1 (DSG2 antisense RNA 1; minus strand). Cytogenetic location: 18q12.1.
Variant type: single nucleotide variant.
Coding change: c.2585G>C on transcript NM_001943.5 (MANE Select); coding-DNA position 2585, G replaced by C.
Protein change: p.Ser862Thr; replaces serine 862 with threonine.
Molecular consequence: missense variant.
Genome position (GRCh38, 1-based): chr18:31,545,971, G>C. VCF-style: chr18-31545971-G-C. GRCh37 (hg19) VCF-style: chr18-29125934-G-C.
Other names: short protein forms S862T.
Identifiers: ClinVar variation 684849 (VCV000684849.12), dbSNP rs1598826629, ClinGen allele CA402145296.